The following is an entry in ClinVar:

ClinVar aggregate classification (germline): Uncertain significance. Review status: criteria provided, multiple submitters, no conflicts (2 of 4 stars). 2 submissions from 2 submitters: Uncertain significance (2). Last evaluated 2025-11-27.

Conditions:
Inborn genetic diseases. Identifiers: MedGen C0950123, MeSH D030342.

gnomAD v4.1: 11 of 1,570,168 alleles (0.0007%); highest among the groups gnomAD compares: African/African-American, 0.015%; no homozygotes.

Submissions (2):

Labcorp Genetics (formerly Invitae), Labcorp
Classification: Uncertain significance. Last evaluated: 2025-11-27. Review status: criteria provided, single submitter. Criteria: Invitae Variant Classification Sherloc (09022015). Collection method: clinical testing. Allele origin: germline.
Comment: This sequence change replaces glutamic acid, which is acidic and polar, with glycine, which is neutral and non-polar, at codon 193 of the KISS1R protein (p.Glu193Gly). The frequency data for this variant in the population databases is considered unreliable, as metrics indicate poor data quality at this position in the gnomAD database. This variant has not been reported in the literature in individuals affected with KISS1R-related conditions. ClinVar contains an entry for this variant (Variation ID: 3864503). Invitae Evidence Modeling of protein sequence and biophysical properties (such as structural, functional, and spatial information, amino acid conservation, physicochemical variation, residue mobility, and thermodynamic stability) indicates that this missense variant is expected to disrupt KISS1R protein function with a positive predictive value of 80%. In summary, the available evidence is currently insufficient to determine the role of this variant in disease. Therefore, it has been classified as a Variant of Uncertain Significance.

Ambry Genetics
Classification: Uncertain significance for Inborn genetic diseases. Last evaluated: 2025-01-08. Review status: criteria provided, single submitter. Criteria: Ambry Variant Classification Scheme 2023. Collection method: clinical testing. Allele origin: germline.

NM_032551.5(KISS1R):c.578A>G (p.Glu193Gly)

Gene: KISS1R (KISS1 receptor; plus strand). Cytogenetic location: 19p13.3.
Variant type: single nucleotide variant.
Coding change: c.578A>G on transcript NM_032551.5 (MANE Select); coding-DNA position 578, A replaced by G.
Protein change: p.Glu193Gly; replaces glutamic acid 193 with glycine.
Molecular consequence: missense variant.
Genome position (GRCh38, 1-based): chr19:919,946, A>G. VCF-style: chr19-919946-A-G. GRCh37 (hg19) VCF-style: chr19-919946-A-G.
Other names: short protein forms E193G.
Identifiers: ClinVar variation 3864503 (VCV003864503.2).